The following is an entry in ClinVar:

NM_000368.5(TSC1):c.388A>C (p.Thr130Pro)

Gene: TSC1 (TSC complex subunit 1; minus strand). Cytogenetic location: 9q34.13.
Variant type: single nucleotide variant.
Coding change: c.388A>C on transcript NM_000368.5 (MANE Select); coding-DNA position 388, A replaced by C.
Protein change: p.Thr130Pro; replaces threonine 130 with proline.
Molecular consequence: missense variant. On other transcripts: non-coding transcript variant (5), 5 prime UTR variant (5).
Genome position (GRCh38, 1-based): chr9:132,923,468, T>G on the plus strand (A>C on the coding strand, the complement: TSC1 is on the minus strand). VCF-style: chr9-132923468-T-G. GRCh37 (hg19) VCF-style: chr9-135798855-T-G.
Other names: c.235A>C, p.Thr79Pro (NM_001406611.1, NM_001406612.1, NM_001406613.1 and 2 more transcripts); c.25A>C, p.Thr9Pro (NM_001406614.1, NM_001406615.1, NM_001406616.1 and 10 more transcripts); c.388A>C, p.Thr130Pro (NM_001406592.1, NM_001406593.1, NM_001406594.1 and 16 more transcripts); c.-490A>C (NM_001406626.1, NM_001406627.1, NM_001406628.1); c.-632A>C (NM_001406629.1); c.-706A>C (NM_001406630.1); short protein forms T130P, T79P, T9P.
Identifiers: ClinVar variation 3777219 (VCV003777219.2).

ClinVar aggregate classification (germline): Conflicting classifications of pathogenicity. Review status: criteria provided, conflicting classifications (1 of 4 stars). 2 submissions from 2 submitters: Pathogenic (1); Uncertain significance (1). Last evaluated 2026-01-23.

Conditions:
Hereditary cancer-predisposing syndrome. Also called: Hereditary Cancer Syndrome; Neoplastic Syndromes, Hereditary; Tumor predisposition; Hereditary neoplastic syndrome. Identifiers: Orphanet 140162, MedGen C0027672, MeSH D009386, MONDO:0015356.
Tuberous sclerosis 1 (TSC1). Identifiers: Orphanet 805, MedGen C1854465, MONDO:0008612, OMIM 191100.

Submissions (2):

Ambry Genetics
Classification: Uncertain significance for Hereditary cancer-predisposing syndrome. Last evaluated: 2026-01-23. Review status: criteria provided, single submitter. Criteria: Ambry Variant Classification Scheme 2023. Collection method: clinical testing. Allele origin: germline.
Comment: The p.T130P variant (also known as c.388A>C), located in coding exon 4 of the TSC1 gene, results from an A to C substitution at nucleotide position 388. The threonine at codon 130 is replaced by proline, an amino acid with highly similar properties. This variant was reported in individual(s) with features consistent with tuberous sclerosis complex (Blasco-P&eacute;rez L et al. J Mol Diagn, 2023 Sep;25:692-701). This amino acid position is well conserved in available vertebrate species. In addition, this alteration is predicted to be deleterious by in silico analysis. Based on the available evidence, the clinical significance of this variant remains unclear.

Oasi Research Institute-IRCCS
Classification: Pathogenic for Tuberous sclerosis 1. Review status: criteria provided, single submitter. Criteria: ACMG Guidelines, 2015. Collection method: research. Allele origin: de novo. Affected: yes.
Comment: The genomic variant c.388A>C is a single nucleotide substitution. Several tools classified the variant as pathogenic: BayesDel addAF; BayesDel noAF; REVEL; MetaRNN; CADD; EVE; DEOGEN2; EIGEN PC; FATHMM-MKL; LRT; MutPred. ACMG criteria: PP4 (phenotype match), PM2 (absent from controls), PP3 (in silico evidence), PS2 (de novo) = Pathogenic. Based on the evidence outlined above, the variant was classified as Pathogenic.

Literature cited by the submitters: PubMed 37356622 (cited by Ambry Genetics).